The following is an entry in ClinVar:

NM_001042492.3(NF1):c.3380del (p.Thr1127fs)

Gene: NF1 (neurofibromin 1; plus strand). Cytogenetic location: 17q11.2.
Variant type: Deletion.
Coding change: c.3380del on transcript NM_001042492.3 (MANE Select); coding-DNA position 3380, one base deleted (C; older notation c.3380delC).
Protein change: p.Thr1127fs; shifts the reading frame from threonine 1127.
Molecular consequence: frameshift variant.
Genome position (GRCh38, 1-based): chr17:31,232,765, C deleted. VCF-style (leftmost placement, unchanged base first): chr17-31232764-AC-A. GRCh37 (hg19) VCF-style: chr17-29559782-AC-A.
Other names: c.3380delC (NM_000267.3); c.3380delC, p.Thr1127Lysfs (NM_000267.4); short protein forms T1127fs.
Identifiers: ClinVar variation 823694 (VCV000823694.4), dbSNP rs1597719498, ClinGen allele CA915949888.

ClinVar aggregate classification (germline): Pathogenic (1 of 4 stars; one submission).

Conditions:
Hereditary cancer-predisposing syndrome. Also called: Neoplastic Syndromes, Hereditary; Tumor predisposition; Hereditary neoplastic syndrome; Hereditary Cancer Syndrome. Identifiers: Orphanet 140162, MedGen C0027672, MeSH D009386, MONDO:0015356.
Cardiovascular phenotype. Identifiers: MedGen CN230736.

Submission:

Ambry Genetics
Classification: Pathogenic for Cardiovascular phenotype; Hereditary cancer-predisposing syndrome. Last evaluated: 2018-02-22. Review status: criteria provided, single submitter. Criteria: Ambry Variant Classification Scheme 2023. Collection method: clinical testing. Allele origin: germline.
Comment: The c.3380delC variant, located in coding exon 26 of the NF1 gene, results from a deletion of one nucleotide at nucleotide position 3380, causing a translational frameshift with a predicted alternate stop codon (p.T1127Kfs*15). While this exact alteration has not been reported in the literature, a different deletion, c.3379delA, resulting in the same stop codon was detected in an individual with 23 caf&eacute; au lait macules (Boyd KP et al. J. Am. Acad. Dermatol., 2010 Sep;63:440-7). In addition to the clinical data presented in the literature, this alteration is expected to result in loss of function by premature protein truncation or nonsense-mediated mRNA decay. As such, this alteration is interpreted as a disease-causing mutation.